The following is an entry in ClinVar:

NM_000516.7(GNAS):c.692G>A (p.Arg231His)

Gene: GNAS (GNAS complex locus; plus strand). Cytogenetic location: 20q13.32.
Variant type: single nucleotide variant.
Coding change: c.692G>A on transcript NM_000516.7 (MANE Select); coding-DNA position 692, G replaced by A.
Protein change: p.Arg231His; replaces arginine 231 with histidine.
Molecular consequence: missense variant. On other transcripts: 3 prime UTR variant (2).
Genome position (GRCh38, 1-based): chr20:58,909,553, G>A. VCF-style: chr20-58909553-G-A. GRCh37 (hg19) VCF-style: chr20-57484608-G-A.
Other names: c.692G>A (NM_000516.4, NM_000516.5); c.695G>A, p.Arg232His (NM_001077488.5); c.647G>A, p.Arg216His (NM_001077489.4); c.*553G>A (NM_001077490.3); c.515G>A, p.Arg172His (NM_001309840.2, NM_001309861.2); c.*598G>A (NM_016592.5); c.2621G>A, p.Arg874His (NM_080425.4); c.650G>A, p.Arg217His (NM_080426.4); short protein forms R231H, R216H, R217H, R232H, R874H, R172H.
Identifiers: ClinVar variation 15946 (VCV000015946.12), dbSNP rs137854538, ClinGen allele CA126099.

ClinVar aggregate classification (germline): Pathogenic/Likely pathogenic. Review status: criteria provided, multiple submitters, no conflicts (2 of 4 stars). 7 submissions from 7 submitters: Pathogenic (4); Likely pathogenic (2). 1 of the submissions does not count toward it. Last evaluated 2026-01-13.

Conditions:
Pseudohypoparathyroidism type I A (PHP1A). Also called: Pseudohypoparathyroidism Type IA; ALBRIGHT HEREDITARY OSTEODYSTROPHY WITH MULTIPLE HORMONE RESISTANCE; PHP IA; Pseudohypoparathyroidism type 1A; Pseudohypoparathyroidism Ia (PHP-Ia). Identifiers: Orphanet 79443, MedGen C3494506, MONDO:0007078, OMIM 103580.
Pseudohypoparathyroidism type 1C (PHP1C). Also called: PSEUDOHYPOPARATHYROIDISM, TYPE IC; PHP IC; Pseudohypoparathyroidism Ic (PHP-Ic). Identifiers: Orphanet 79444, MedGen C2932716, MONDO:0012911, OMIM 612462.
ACTH-independent macronodular adrenal hyperplasia 1 (AIMAH1). Also called: ACTH-INDEPENDENT MACRONODULAR ADRENOCORTICAL HYPERPLASIA; ADRENOCORTICOTROPIC HORMONE-INDEPENDENT MACRONODULAR ADRENAL HYPERPLASIA; CORTICOTROPIN-INDEPENDENT MACRONODULAR ADRENAL HYPERPLASIA; ACTH-independent macronodular adrenal hyperplasia, somatic; CUSHING SYNDROME, ADRENAL, DUE TO AIMAH. Identifiers: MedGen C1857451, MONDO:0020735, OMIM 219080.
Pituitary adenoma 3, multiple types. Also called: PITUITARY ADENOMA 3, ACTH-SECRETING, SOMATIC; PITUITARY ADENOMA 3, GROWTH HORMONE-SECRETING, SOMATIC. Identifiers: MedGen C4540135, MONDO:0054665, OMIM 617686.
McCune-Albright syndrome (MAS). Also called: McCune-Albright syndrome, somatic, mosaic; ALBRIGHT SYNDROME; Fibrous Dysplasia / McCune-Albright Syndrome; Albright's disease; Albright's Syndrome. Identifiers: Orphanet 562, MedGen C0242292, MONDO:0018919, OMIM 174800.
Progressive osseous heteroplasia (POH). Also called: ECTOPIC OSSIFICATION, FAMILIAL; Osteoma cutis; Osseus Heteroplasia, Progressive; Progressive Osseus Heteroplasia (POH). Identifiers: Orphanet 2762, MedGen C0334041, MONDO:0008153, OMIM 166350, HP:0025027.
Pseudohypoparathyroidism type 1B (PHP1B). Also called: Pseudohypoparathyroidism Type IB; PHP IB; Pseudohypoparathyroidism Ib (PHP-Ib). Identifiers: Orphanet 94089, MedGen C1864100, MONDO:0011301, OMIM 603233.
Pseudopseudohypoparathyroidism (PPHP). Also called: ALBRIGHT HEREDITARY OSTEODYSTROPHY WITHOUT MULTIPLE HORMONE RESISTANCE; Pseudopseudohypoparathyroidism (PPHP). Identifiers: Orphanet 79445, MedGen C0033835, MONDO:0012912, OMIM 612463.
GNAS-related disorder. Identifiers: MedGen CN380105.
Pseudohypoparathyroidism (PHP1A). Identifiers: Orphanet 79443, Orphanet 97593, MedGen C0033806, MONDO:0019992, HP:0000852.

Submissions (7):

PreventionGenetics, part of Exact Sciences
Classification: Likely pathogenic for GNAS-related condition. Last evaluated: 2026-01-13. Review status: criteria provided, single submitter. Criteria: ACMG Guidelines, 2015. Collection method: clinical testing. Allele origin: germline.
Comment: The GNAS c.692G>A variant is predicted to result in the amino acid substitution p.Arg231His. This variant has been reported to segregate with pseudohypoparathyroidism type Ia in two families (Farfel et al. 1996. PubMed ID: 8702665; Ngai et al. 2010. PubMed ID: 20979189). This variant was also reported in a patient with pseudohypoparathyroidism type Ia (Ishikawa et al. 2001. PubMed ID: 11450852). Functional studies showed that the p.Arg231His substitution decreased the hormone receptor-dependent stimulation of cAMP accumulation by 75% compared to wildtype protein, resulting in the activation defects (Farfel et al. 1996. PubMed ID: 8702665; Iiri et al. 1997. PubMed ID: 9159128). This variant is not present in a large population database, indicating that it is rare. We interpret this variant as likely pathogenic.

Labcorp Genetics (formerly Invitae), Labcorp
Classification: Pathogenic. Last evaluated: 2025-11-11. Review status: criteria provided, single submitter. Criteria: Invitae Variant Classification Sherloc (09022015). Collection method: clinical testing. Allele origin: germline.
Comment: This sequence change replaces arginine, which is basic and polar, with histidine, which is basic and polar, at codon 231 of the GNAS protein (p.Arg231His). This variant is not present in population databases (gnomAD no frequency). This missense change has been observed in individuals with Albright’s hereditary osteodystrophy and/or pseudohypoparathyroidism (PMID: 8702665, 11450852). It has also been observed to segregate with disease in related individuals. ClinVar contains an entry for this variant (Variation ID: 15946). Invitae Evidence Modeling of protein sequence and biophysical properties (such as structural, functional, and spatial information, amino acid conservation, physicochemical variation, residue mobility, and thermodynamic stability) indicates that this missense variant is expected to disrupt GNAS protein function with a positive predictive value of 95%. Experimental studies have shown that this missense change affects GNAS function (PMID: 8702665). This variant disrupts the p.Arg231 amino acid residue in GNAS. Other variant(s) that disrupt this residue have been determined to be pathogenic (PMID: 11600516, 25044890, 30349702). This suggests that this residue is clinically significant, and that variants that disrupt this residue are likely to be disease-causing. For these reasons, this variant has been classified as Pathogenic.

GeneDx
Classification: Pathogenic. Last evaluated: 2024-03-07. Review status: criteria provided, single submitter. Criteria: GeneDx Variant Classification Process June 2021. Collection method: clinical testing. Allele origin: germline. Affected: yes.
Comment: Published functional studies demonstrate a damaging effect (PMID: 8702665); Not observed at significant frequency in large population cohorts (gnomAD); In silico analysis supports that this missense variant has a deleterious effect on protein structure/function; This variant is associated with the following publications: (PMID: 11450852, 31886927, 34614324, 9159128, 8702665, 35497370, 30674755, 20979189)

Department of Genetics, Rouen University Hospital, Normandy Center for Genomic and Personalized Medicine
Classification: Pathogenic for GNAS-related disorders. Last evaluated: 2023-08-03. Review status: criteria provided, single submitter. Criteria: ACMG Guidelines, 2015. Collection method: clinical testing. Allele origin: paternal. Affected: yes.

Genetics of Obesity Study, University of Cambridge
Classification: Pathogenic for Pseudohypoparathyroidism type I A. Last evaluated: 2020-06-01. Review status: criteria provided, single submitter. Criteria: ACMG Guidelines, 2015. Collection method: research. Allele origin: de novo. Affected: yes.

Juno Genomics, Hangzhou Juno Genomics, Inc
Classification: Likely pathogenic for ACTH-independent macronodular adrenal hyperplasia 1; McCune-Albright syndrome; Progressive osseous heteroplasia; Pituitary adenoma 3, multiple types; Pseudohypoparathyroidism type I A; Pseudohypoparathyroidism type 1B; Pseudohypoparathyroidism type 1C; Pseudopseudohypoparathyroidism. Review status: criteria provided, single submitter. Criteria: ACMG Guidelines, 2015. Collection method: clinical testing. Allele origin: germline.
Comment: Absent from controls (or at extremely low frequency if recessive) in Genome Aggregation Database.;Well-established in vitro or in vivo functional studies supportive of a damaging effect on the gene or gene product.;The prevalence of the variant in affected individuals is significantly increased compared to the prevalence in controls.;Patient's phenotype or family history is highly specific for a disease with a single genetic etiology.;Co-segregation with disease in multiple affected family members.

OMIM
Classification: Pathogenic for PSEUDOHYPOPARATHYROIDISM, TYPE IA. Last evaluated: 2001-01-01. Review status: no assertion criteria provided. Collection method: literature only. Allele origin: germline. Not counted in ClinVar's aggregate classification.

Literature cited by the submitters: PubMed 8702665 (cited by Labcorp Genetics (formerly Invitae), Labcorp and OMIM); PubMed 11450852 (cited by Labcorp Genetics (formerly Invitae), Labcorp and OMIM); PubMed 11600516 (cited by Labcorp Genetics (formerly Invitae), Labcorp); PubMed 25044890 (cited by Labcorp Genetics (formerly Invitae), Labcorp); PubMed 30349702 (cited by Labcorp Genetics (formerly Invitae), Labcorp); PubMed 34614324 (cited by Genetics of Obesity Study, University of Cambridge); PubMed 9159128 (cited by OMIM).